The following is an entry in ClinVar:

ClinVar aggregate classification (germline): Likely benign (0 of 4 stars; one submission).

Conditions:
COL11A1-related disorder. Also called: COL11A1-related disorders; COL11A1-related condition.

Submission:

PreventionGenetics, part of Exact Sciences
Classification: Likely benign for COL11A1-related condition. Last evaluated: 2024-03-06. Review status: no assertion criteria provided. Collection method: clinical testing. Allele origin: germline.
Comment: This variant is classified as likely benign based on ACMG/AMP sequence variant interpretation guidelines (Richards et al. 2015 PMID: 25741868, with internal and published modifications).

NM_001854.4(COL11A1):c.1737+6G>C

Gene: COL11A1 (collagen type XI alpha 1 chain; minus strand). Cytogenetic location: 1p21.1.
Variant type: single nucleotide variant.
Coding change: c.1737+6G>C on transcript NM_001854.4 (MANE Select); 6 bases into the intron after coding-DNA position 1737, G replaced by C.
Molecular consequence: intron variant.
Genome position (GRCh38, 1-based): chr1:103,006,256, C>G on the plus strand (G>C on the coding strand, the complement: COL11A1 is on the minus strand). VCF-style: chr1-103006256-C-G. GRCh37 (hg19) VCF-style: chr1-103471812-C-G.
Other names: c.1620+6G>C (NM_001190709.2); c.1773+6G>C (NM_080629.3); c.1389+6G>C (NM_080630.4).
Identifiers: ClinVar variation 3348627 (VCV003348627.1).
Genomic context (GRCh38, chr1:103,006,256, plus strand): 5'-AATAAATAAATAAAACTAATGATCATGGCAGATGCCTTCAAAATGCACAATGAAAATAAG[C>G]CATACCCTTTTTCCAGGTTTTCCCGTTGGACCAGGGGGACCCTGGACGCCTCGAGGGCCC-3'